The following is an entry in ClinVar:

NM_000179.3(MSH6):c.725G>C (p.Ser242Thr)

Gene: MSH6 (mutS homolog 6; plus strand). Cytogenetic location: 2p16.3.
Variant type: single nucleotide variant.
Coding change: c.725G>C on transcript NM_000179.3 (MANE Select); coding-DNA position 725, G replaced by C.
Protein change: p.Ser242Thr; replaces serine 242 with threonine.
Molecular consequence: missense variant. On other transcripts: 5 prime UTR variant (2).
Genome position (GRCh38, 1-based): chr2:47,798,708, G>C. VCF-style: chr2-47798708-G-C. GRCh37 (hg19) VCF-style: chr2-48025847-G-C.
Other names: c.-182G>C (NM_001281493.2, NM_001281494.2); c.335G>C, p.Ser112Thr (NM_001281492.2); short protein forms S242T, S112T.
Identifiers: ClinVar variation 410485 (VCV000410485.12), dbSNP rs1060502925, ClinGen allele CA16610926.

ClinVar aggregate classification (germline): Uncertain significance. Review status: criteria provided, multiple submitters, no conflicts (2 of 4 stars). 3 submissions from 3 submitters: Uncertain significance (3). Last evaluated 2025-11-24.

Conditions:
Hereditary cancer-predisposing syndrome. Also called: Tumor predisposition; Hereditary Cancer Syndrome; Hereditary neoplastic syndrome; Neoplastic Syndromes, Hereditary. Identifiers: Orphanet 140162, MedGen C0027672, MeSH D009386, MONDO:0015356.
Hereditary nonpolyposis colorectal neoplasms. Identifiers: MedGen C0009405, MeSH D003123.

Submissions (3):

Ambry Genetics
Classification: Uncertain significance for Hereditary cancer-predisposing syndrome. Last evaluated: 2025-11-24. Review status: criteria provided, single submitter. Criteria: Ambry Variant Classification Scheme 2023. Collection method: clinical testing. Allele origin: germline.
Comment: The p.S242T variant (also known as c.725G>C), located in coding exon 4 of the MSH6 gene, results from a G to C substitution at nucleotide position 725. The serine at codon 242 is replaced by threonine, an amino acid with similar properties. This amino acid position is conserved. In addition, this alteration is predicted to be tolerated by in silico analysis. Based on the available evidence, the clinical significance of this variant remains unclear.

Quest Diagnostics Nichols Institute San Juan Capistrano
Classification: Uncertain significance. Last evaluated: 2016-11-23. Review status: criteria provided, single submitter. Criteria: Quest Diagnostics criteria. Collection method: clinical testing. Allele origin: germline.

Labcorp Genetics (formerly Invitae), Labcorp
Classification: Uncertain significance for Hereditary nonpolyposis colorectal neoplasms. Last evaluated: 2016-05-16. Review status: criteria provided, single submitter. Criteria: Invitae Variant Classification Sherloc (09022015). Collection method: clinical testing. Allele origin: germline.
Comment: In summary, this variant is a novel missense change that is not predicted to affect protein function. There is no indication that it causes disease, but the available evidence is currently insufficient to prove that conclusively. Therefore, it has been classified as a Variant of Uncertain Significance. Algorithms developed to predict the effect of missense changes on protein structure and function output the following: (SIFT: "Tolerated"; PolyPhen-2: "Benign"; Align-GVGD: "Class C0"). The threonine amino acid residue is also found in multiple mammalian species, suggesting that this missense change does not adversely affect protein function. These predictions have not been confirmed by published functional studies. This variant is not present in population databases (ExAC no frequency) and has not been reported in the literature in individuals with a MSH6-related disease. This sequence change replaces serine with threonine at codon 242 of the MSH6 protein (p.Ser242Thr). The serine residue is weakly conserved and there is a small physicochemical difference between serine and threonine.